The following is an entry in ClinVar:

NM_001258392.3(CLPB):c.1691G>A (p.Arg564Lys)

Gene: CLPB (ClpB family mitochondrial disaggregase; minus strand). Cytogenetic location: 11q13.4.
Variant type: single nucleotide variant.
Coding change: c.1691G>A on transcript NM_001258392.3 (MANE Select); coding-DNA position 1691, G replaced by A.
Protein change: p.Arg564Lys; replaces arginine 564 with lysine.
Molecular consequence: missense variant.
Genome position (GRCh38, 1-based): chr11:72,294,116, C>T on the plus strand (G>A on the coding strand, the complement: CLPB is on the minus strand). VCF-style: chr11-72294116-C-T. GRCh37 (hg19) VCF-style: chr11-72005160-C-T.
Other names: c.1604G>A, p.Arg535Lys (NM_001258393.3); c.1646G>A, p.Arg549Lys (NM_001258394.3); c.1781G>A, p.Arg594Lys (NM_030813.6); short protein forms R594K, R564K, R535K, R549K.
Identifiers: ClinVar variation 4700205 (VCV004700205.1).

ClinVar aggregate classification (germline): Uncertain significance (1 of 4 stars; one submission).

Conditions:
3-methylglutaconic aciduria, type VIIB (MGCA7B). Also called: CLPB Deficiency; 3-methylglutaconic aciduria, type VII, with cataracts, neurologic involvement and neutropenia; 3-methylglutaconic aciduria with cataracts, neurologic involvement and neutropenia. Identifiers: Orphanet 445038, MedGen C5676893, MONDO:0014561, OMIM 616271.

gnomAD v4.1: 4 of 1,613,968 alleles (0.00025%); highest among the groups gnomAD compares: Non-Finnish European, 0.00034%; no homozygotes.

Submission:

Labcorp Genetics (formerly Invitae), Labcorp
Classification: Uncertain significance for 3-methylglutaconic aciduria, type VIIB. Last evaluated: 2025-12-10. Review status: criteria provided, single submitter. Criteria: Invitae Variant Classification Sherloc (09022015). Collection method: clinical testing. Allele origin: germline.
Comment: This sequence change replaces arginine, which is basic and polar, with lysine, which is basic and polar, at codon 594 of the CLPB protein (p.Arg594Lys). This variant is present in population databases (no rsID available, gnomAD 0.0009%). This variant has not been reported in the literature in individuals affected with CLPB-related conditions. An algorithm developed to predict the effect of missense changes on protein structure and function (PolyPhen-2) suggests that this variant is likely to be disruptive. In summary, the available evidence is currently insufficient to determine the role of this variant in disease. Therefore, it has been classified as a Variant of Uncertain Significance.